The following is an entry in ClinVar:

ClinVar aggregate classification (germline): Conflicting classifications of pathogenicity. Review status: criteria provided, conflicting classifications (1 of 4 stars). 7 submissions from 7 submitters: Uncertain significance (2); Likely benign (4). 1 of the submissions does not count toward it. Last evaluated 2026-01-01.

Conditions:
CREBBP-related disorder. Also called: CREBBP-related condition; CREBBP-related disorders.
Rubinstein-Taybi syndrome (RSTS). Identifiers: Orphanet 783, MedGen C0035934, MONDO:0019188.
Menke-Hennekam syndrome 1 (MKHK1). Identifiers: MedGen C5193034, MONDO:0020763, OMIM 618332.
Rubinstein-Taybi syndrome due to CREBBP mutations (RSTS1). Also called: CREBBP-Related Rubinstein-Taybi Syndrome; RUBINSTEIN SYNDROME; Rubinstein-Taybi syndrome 1; RUBINSTEIN-TAYBI SYNDROME 1, INCOMPLETE; BROAD THUMB-HALLUX SYNDROME; BROAD THUMBS AND GREAT TOES, CHARACTERISTIC FACIES, AND IMPAIRED INTELLECTUAL DEVELOPMENT. Identifiers: Orphanet 353277, Orphanet 783, MedGen C4551859, MONDO:0008393, OMIM 180849.
Inborn genetic diseases. Identifiers: MedGen C0950123, MeSH D030342.

Allele frequency attached by ClinVar (database versions not stated): gnomAD exomes 0.00001 and 0.00002; ExAC 0.00002; TOPMed 0.00003; gnomAD 0.00004.
gnomAD v4.1: 37 of 1,613,882 alleles (0.0023%); highest among the groups gnomAD compares: Middle Eastern, 0.016%; no homozygotes.

Submissions (7):

CeGaT Center for Human Genetics Tuebingen
Classification: Likely benign. Last evaluated: 2026-01-01. Review status: criteria provided, single submitter. Criteria: CeGaT Center For Human Genetics Tuebingen Variant Classification Criteria Version 2. Collection method: clinical testing. Allele origin: germline. Affected: yes. Observed: 2 variant alleles.
Comment: CREBBP: PP2, BS2

Labcorp Genetics (formerly Invitae), Labcorp
Classification: Likely benign for Rubinstein-Taybi syndrome. Last evaluated: 2025-11-03. Review status: criteria provided, single submitter. Criteria: Invitae Variant Classification Sherloc (09022015). Collection method: clinical testing. Allele origin: germline.

Blueprint Genetics
Classification: Likely benign. Last evaluated: 2023-07-03. Review status: criteria provided, single submitter. Criteria: ACMG Guidelines, 2015. Collection method: clinical testing. Allele origin: germline.

Ambry Genetics
Classification: Likely benign for Inborn genetic diseases. Last evaluated: 2022-03-28. Review status: criteria provided, single submitter. Criteria: Ambry Variant Classification Scheme 2023. Collection method: clinical testing. Allele origin: germline.

Fulgent Genetics
Classification: Uncertain significance for Rubinstein-Taybi syndrome due to CREBBP mutations; Menke-Hennekam syndrome 1. Last evaluated: 2022-01-25. Review status: criteria provided, single submitter. Criteria: ACMG Guidelines, 2015. Collection method: clinical testing. Allele origin: unknown.

GeneDx
Classification: Uncertain significance. Last evaluated: 2018-07-03. Review status: criteria provided, single submitter. Criteria: GeneDx Variant Classification Process June 2021. Collection method: clinical testing. Allele origin: germline. Affected: yes.
Comment: In silico analysis, which includes protein predictors and evolutionary conservation, supports that this variant does not alter protein structure/function; Has not been previously published as pathogenic or benign to our knowledge

PreventionGenetics, part of Exact Sciences
Classification: Likely benign for CREBBP-related condition. Last evaluated: 2023-10-25. Review status: no assertion criteria provided. Collection method: clinical testing. Allele origin: germline. Not counted in ClinVar's aggregate classification.
Comment: This variant is classified as likely benign based on ACMG/AMP sequence variant interpretation guidelines (Richards et al. 2015 PMID: 25741868, with internal and published modifications).

NM_004380.3(CREBBP):c.2598G>T (p.Met866Ile)

Gene: CREBBP (CREB binding lysine acetyltransferase; minus strand). Cytogenetic location: 16p13.3.
Variant type: single nucleotide variant.
Coding change: c.2598G>T on transcript NM_004380.3 (MANE Select); coding-DNA position 2598, G replaced by T.
Protein change: p.Met866Ile; replaces methionine 866 with isoleucine.
Molecular consequence: missense variant.
Genome position (GRCh38, 1-based): chr16:3,770,852, C>A on the plus strand (G>T on the coding strand, the complement: CREBBP is on the minus strand). VCF-style: chr16-3770852-C-A. GRCh37 (hg19) VCF-style: chr16-3820853-C-A.
Other names: c.2484G>T, p.Met828Ile (NM_001079846.1); short protein forms M828I, M866I.
Identifiers: ClinVar variation 1302981 (VCV001302981.30), dbSNP rs771016864, ClinGen allele CA7870068.